The following is an entry in ClinVar:

NM_020433.5(JPH2):c.1337_1338insT (p.Glu447fs)

Gene: JPH2 (junctophilin 2; minus strand). Cytogenetic location: 20q13.12.
Variant type: Insertion.
Coding change: c.1337_1338insT on transcript NM_020433.5 (MANE Select); coding-DNA positions 1337 to 1338, T inserted.
Protein change: p.Glu447fs; shifts the reading frame from glutamic acid 447.
Molecular consequence: frameshift variant.
Genome position: GRCh38 VCF-style: chr20-44116337-C-CA. GRCh37 (hg19) VCF-style: chr20-42744977-C-CA.
Other names: short protein forms E447fs.
Identifiers: ClinVar variation 4716002 (VCV004716002.1).

ClinVar aggregate classification (germline): Uncertain significance (1 of 4 stars; one submission).

Conditions:
Hypertrophic cardiomyopathy. Also called: HYPERTROPHIC MYOCARDIOPATHY. Identifiers: Orphanet 217569, MedGen C0007194, MeSH D002312, MONDO:0005045, HP:0001639.

Submission:

Labcorp Genetics (formerly Invitae), Labcorp
Classification: Uncertain significance for Hypertrophic cardiomyopathy. Last evaluated: 2025-03-26. Review status: criteria provided, single submitter. Criteria: Invitae Variant Classification Sherloc (09022015). Collection method: clinical testing. Allele origin: germline.
Comment: This sequence change creates a premature translational stop signal (p.Glu447Glyfs*30) in the JPH2 gene. It is expected to result in an absent or disrupted protein product. However, the current clinical and genetic evidence is not sufficient to establish whether loss-of-function variants in JPH2 cause disease. This variant is not present in population databases (gnomAD no frequency). This variant has not been reported in the literature in individuals affected with JPH2-related conditions. In summary, the available evidence is currently insufficient to determine the role of this variant in disease. Therefore, it has been classified as a Variant of Uncertain Significance.